The following is an entry in ClinVar:

NM_000431.4(MVK):c.1A>G (p.Met1Val)

Gene: MVK (mevalonate kinase; plus strand). Cytogenetic location: 12q24.11.
Variant type: single nucleotide variant.
Coding change: c.1A>G on transcript NM_000431.4 (MANE Select); coding-DNA position 1, A replaced by G.
Protein change: p.Met1Val; changes the start codon (methionine 1).
Molecular consequence: missense variant, initiator codon variant. On other transcripts: non-coding transcript variant (4), intron variant (1).
Genome position (GRCh38, 1-based): chr12:109,574,823, A>G. VCF-style: chr12-109574823-A-G. GRCh37 (hg19) VCF-style: chr12-110012628-A-G.
Other names: c.1A>G, p.Met1Val (NM_001114185.3, NM_001301182.2, NM_001414511.1 and 3 more transcripts); c.-505+950A>G (NM_001414515.1); short protein forms M1V.
Identifiers: ClinVar variation 4789069 (VCV004789069.1).

ClinVar aggregate classification (germline): Pathogenic (1 of 4 stars; one submission).

Conditions:
Mevalonic aciduria (MEVA). Identifiers: Orphanet 29, MedGen C1959626, MONDO:0012481, OMIM 610377.
Porokeratosis 3, disseminated superficial actinic type (POROK3). Also called: POROKERATOSIS, DISSEMINATED SUPERFICIAL ACTINIC, 1; POROKERATOSIS 3, MULTIPLE TYPES; POROKERATOSIS 3, MIBELLI TYPE. Identifiers: MedGen C1867981, MONDO:0008293, OMIM 175900.
Hyperimmunoglobulin D with periodic fever (HIDS). Also called: HYPERIMMUNOGLOBULINEMIA D AND PERIODIC FEVER SYNDROME; Hyperimmunoglobulinemia D; Hyperimmunoglobulinemia D with periodic fever. Identifiers: Orphanet 343, MedGen C0398691, MONDO:0009849, OMIM 260920.

Submission:

Labcorp Genetics (formerly Invitae), Labcorp
Classification: Pathogenic for Mevalonic aciduria; Hyperimmunoglobulin D with periodic fever; Porokeratosis 3, disseminated superficial actinic type. Last evaluated: 2025-11-08. Review status: criteria provided, single submitter. Criteria: Invitae Variant Classification Sherloc (09022015). Collection method: clinical testing. Allele origin: germline.
Comment: This sequence change affects the initiator codon of the MVK mRNA. This change may impact translation initiation or efficiency. The next in-frame methionine is located at codon 195. This variant is present in population databases (no rsID available, gnomAD 0.006%). Disruption of the initiator codon has been observed in individual(s) with hyper IgD syndrome (PMID: 22038276). This variant disrupts a region of the MVK protein in which other variant(s) (p.His20Asn) have been determined to be pathogenic (PMID: 11313769, 27213830, 28501347). This suggests that this is a clinically significant region of the protein, and that variants that disrupt it are likely to be disease-causing. For these reasons, this variant has been classified as Pathogenic.

Literature cited by the submitters: PubMed 22038276; PubMed 11313769; PubMed 27213830; PubMed 28501347.